The following is an entry in ClinVar:

NM_001846.4(COL4A2):c.4928C>T (p.Pro1643Leu)

Gene: COL4A2 (collagen type IV alpha 2 chain; plus strand). Cytogenetic location: 13q34.
Variant type: single nucleotide variant.
Coding change: c.4928C>T on transcript NM_001846.4 (MANE Select); coding-DNA position 4928, C replaced by T.
Protein change: p.Pro1643Leu; replaces proline 1643 with leucine.
Molecular consequence: missense variant.
Genome position (GRCh38, 1-based): chr13:110,511,980, C>T. VCF-style: chr13-110511980-C-T. GRCh37 (hg19) VCF-style: chr13-111164327-C-T.
Other names: c.4928C>T (NM_001846.2); short protein forms P1643L.
Identifiers: ClinVar variation 3013102 (VCV003013102.4), dbSNP rs200681591, ClinGen allele CA7050711.
Genomic context (GRCh38, chr13:110,511,980, plus strand): 5'-CCCTCTCTGTGCAGCACACGGCGGCGGGAGACGAAGGCGGTGGCCAATCACTGGTGTCAC[C>T]GGGCAGCTGTCTAGAGGACTTCCGCGCCACACCATTCATCGAATGCAATGGAGGCCGCGG-3'
Protein context (NP_001837.2, residues 1633-1653): DEGGGQSLVS[Pro1643Leu]GSCLEDFRAT

ClinVar aggregate classification (germline): Uncertain significance. Review status: criteria provided, multiple submitters, no conflicts (2 of 4 stars). 2 submissions from 2 submitters: Uncertain significance (2). Last evaluated 2025-10-02.

Conditions:
Inborn genetic diseases. Identifiers: MedGen C0950123, MeSH D030342.

Allele frequency attached by ClinVar (database versions not stated): gnomAD 0.00003; TOPMed 0.00003; ExAC 0.00004; 1000 Genomes Project 30x 0.00016; ESP Exome Variant Server 0.00016; 1000 Genomes Project 0.00020.
gnomAD v4.1: 38 of 1,613,544 alleles (0.0024%); highest among the groups gnomAD compares: African/African-American, 0.004%; no homozygotes.

Submissions (2):

Ambry Genetics
Classification: Uncertain significance for Inborn genetic diseases. Last evaluated: 2025-10-02. Review status: criteria provided, single submitter. Criteria: Ambry Variant Classification Scheme 2023. Collection method: clinical testing. Allele origin: germline.

Labcorp Genetics (formerly Invitae), Labcorp
Classification: Uncertain significance. Last evaluated: 2024-10-22. Review status: criteria provided, single submitter. Criteria: Invitae Variant Classification Sherloc (09022015). Collection method: clinical testing. Allele origin: germline.
Comment: This sequence change replaces proline, which is neutral and non-polar, with leucine, which is neutral and non-polar, at codon 1643 of the COL4A2 protein (p.Pro1643Leu). This variant is present in population databases (rs200681591, gnomAD 0.005%). This variant has not been reported in the literature in individuals affected with COL4A2-related conditions. Invitae Evidence Modeling of protein sequence and biophysical properties (such as structural, functional, and spatial information, amino acid conservation, physicochemical variation, residue mobility, and thermodynamic stability) has been performed for this missense variant. However, the output from this modeling did not meet the statistical confidence thresholds required to predict the impact of this variant on COL4A2 protein function. In summary, the available evidence is currently insufficient to determine the role of this variant in disease. Therefore, it has been classified as a Variant of Uncertain Significance.